The following is an entry in ClinVar:

NM_001035.3(RYR2):c.6042T>C (p.Asp2014=)

Gene: RYR2 (ryanodine receptor 2; plus strand). Cytogenetic location: 1q43.
Variant type: single nucleotide variant.
Coding change: c.6042T>C on transcript NM_001035.3 (MANE Select); coding-DNA position 6042, T replaced by C.
Protein change: p.Asp2014=; no amino-acid change (aspartic acid 2014 retained).
Molecular consequence: synonymous variant.
Genome position (GRCh38, 1-based): chr1:237,625,680, T>C. VCF-style: chr1-237625680-T-C. GRCh37 (hg19) VCF-style: chr1-237788980-T-C.
Other names: c.6042T>C, p.Asp2014= (LRG_402t1).
Identifiers: ClinVar variation 463612 (VCV000463612.16), dbSNP rs376907409, ClinGen allele CA39838058.

ClinVar aggregate classification (germline): Likely benign. Review status: criteria provided, multiple submitters, no conflicts (2 of 4 stars). 4 submissions from 4 submitters: Likely benign (4). Last evaluated 2025-04-14.

Conditions:
Cardiovascular phenotype. Identifiers: MedGen CN230736.
Catecholaminergic polymorphic ventricular tachycardia (CVPT). Also called: Catecholamine-induced polymorphic ventricular tachycardia. Identifiers: Orphanet 3286, MedGen C5574922, MONDO:0017990.
Catecholaminergic polymorphic ventricular tachycardia 1. Also called: VENTRICULAR TACHYCARDIA, STRESS-INDUCED POLYMORPHIC 1; VENTRICULAR TACHYCARDIA, CATECHOLAMINERGIC POLYMORPHIC, 1, WITH OR WITHOUT ATRIAL DYSFUNCTION AND/OR DILATED CARDIOMYOPATHY; RYR2-Related Catecholaminergic Polymorphic Ventricular Tachycardia. Identifiers: Orphanet 3286, MedGen C1631597, MONDO:0011484, OMIM 604772.
Cardiomyopathy (CMYO). Also called: Cardiomyopathies. Identifiers: Orphanet 167848, MedGen C0878544, MONDO:0004994, HP:0001638. Inheritance: Various modes of inheritance.

Allele frequency attached by ClinVar (database versions not stated): gnomAD 0.00001; gnomAD exomes 0.00001 and 0.00002; TOPMed 0.00001; ESP Exome Variant Server 0.00008.
gnomAD v4.1: 36 of 1,613,628 alleles (0.0022%); highest among the groups gnomAD compares: Non-Finnish European, 0.003%; no homozygotes.

Submissions (4):

Labcorp Genetics (formerly Invitae), Labcorp
Classification: Likely benign for Catecholaminergic polymorphic ventricular tachycardia 1. Last evaluated: 2025-04-14. Review status: criteria provided, single submitter. Criteria: Invitae Variant Classification Sherloc (09022015). Collection method: clinical testing. Allele origin: germline.

All of Us Research Program, National Institutes of Health
Classification: Likely benign for Catecholaminergic polymorphic ventricular tachycardia. Last evaluated: 2023-12-01. Review status: criteria provided, single submitter. Criteria: ACMG Guidelines, 2015. Collection method: clinical testing. Allele origin: germline. Inheritance: Autosomal dominant inheritance. Observed: 4 variant alleles, 4 heterozygotes.
Comment: This study involves interpretation of variants in research participants for the purpose of population health screening. Participant phenotype was not available at the time of variant classification. Additional details can be found in publication PMID: 35346344, PMCID: PMC8962531

Ambry Genetics
Classification: Likely benign for Cardiovascular phenotype. Last evaluated: 2022-12-07. Review status: criteria provided, single submitter. Criteria: Ambry Variant Classification Scheme 2023. Collection method: clinical testing. Allele origin: germline.

Color Diagnostics, LLC DBA Color Health
Classification: Likely benign for Cardiomyopathy. Last evaluated: 2019-04-06. Review status: criteria provided, single submitter. Criteria: ACMG Guidelines, 2015. Collection method: clinical testing. Allele origin: germline.